The following is an entry in ClinVar:

ClinVar aggregate classification (germline): Likely benign (1 of 4 stars; one submission).

gnomAD v4.1: 19 of 1,592,926 alleles (0.0012%); highest among the groups gnomAD compares: Non-Finnish European, 0.0015%; no homozygotes.

Submission:

CeGaT Center for Human Genetics Tuebingen
Classification: Likely benign. Last evaluated: 2026-02-01. Review status: criteria provided, single submitter. Criteria: CeGaT Center For Human Genetics Tuebingen Variant Classification Criteria Version 2. Collection method: clinical testing. Allele origin: germline. Affected: yes. Observed: 1 variant allele.
Comment: ROR2: BP4, BP7

NM_004560.4(ROR2):c.933C>A (p.Gly311=)

Gene: ROR2 (ROR family WNT receptor 2; minus strand). Cytogenetic location: 9q22.31.
Variant type: single nucleotide variant.
Coding change: c.933C>A on transcript NM_004560.4 (MANE Select); coding-DNA position 933, C replaced by A.
Protein change: p.Gly311=; no amino-acid change (glycine 311 retained).
Molecular consequence: synonymous variant.
Genome position (GRCh38, 1-based): chr9:91,733,126, G>T on the plus strand (C>A on the coding strand, the complement: ROR2 is on the minus strand). VCF-style: chr9-91733126-G-T. GRCh37 (hg19) VCF-style: chr9-94495408-G-T.
Other names: c.933C>A, p.Gly311= (NM_001318204.2).
Identifiers: ClinVar variation 4822622 (VCV004822622.4).
Genomic context (GRCh38, chr9:91,733,126, plus strand): 5'-AAGGGCCCTACACTCCCTGCGCCCCCCGGTCCCGCCCCGGGCCCTCGGGCACTCACAGCG[G>T]CCCAGCCTCTCGGCTGGGATGCCAATGCGCATGCAGTTGGCAGCGTCGGGGCTCTCAGGC-3'
Protein context (NP_004551.2, residues 301-321): MRIGIPAERL[Gly311=]RYHQCYNGSG